The following is an entry in ClinVar:

NM_030632.3(ASXL3):c.5001T>G (p.Pro1667=)

Gene: ASXL3 (ASXL transcriptional regulator 3; plus strand). Cytogenetic location: 18q12.1.
Variant type: single nucleotide variant.
Coding change: c.5001T>G on transcript NM_030632.3 (MANE Select); coding-DNA position 5001, T replaced by G.
Protein change: p.Pro1667=; no amino-acid change (proline 1667 retained).
Molecular consequence: synonymous variant.
Genome position (GRCh38, 1-based): chr18:33,744,849, T>G. VCF-style: chr18-33744849-T-G. GRCh37 (hg19) VCF-style: chr18-31324813-T-G.
Other names: c.5001T>G (NM_030632.2).
Identifiers: ClinVar variation 1246475 (VCV001246475.33), dbSNP rs377152896, ClinGen allele CA8934365.
Genomic context (GRCh38, chr18:33,744,849, plus strand): 5'-CAACTACTTGAACGTGTCAGAACTTCATCCCAGGAATCTTGTAACAAATGTTGCTCTTCC[T>G]GTGAAATCTGAACTTCACGAAGCAGACAAGGGCTTTAGAATGGACACTGAAGACTTCCCT-3'
Protein context (NP_085135.1, residues 1657-1677): PRNLVTNVAL[Pro1667=]VKSELHEADK

ClinVar aggregate classification (germline): Benign/Likely benign. Review status: criteria provided, multiple submitters, no conflicts (2 of 4 stars). 6 submissions from 6 submitters: Benign (3); Likely benign (2). 1 of the submissions does not count toward it. Last evaluated 2024-09-23.

Conditions:
Bainbridge-Ropers syndrome. Also called: Severe feeding difficulties-failure to thrive-microcephaly due to ASXL3 deficiency syndrome. Identifiers: Orphanet 352577, MedGen C4750837, MONDO:0014205, OMIM 615485.
ASXL3-related disorder. Also called: ASXL3-related condition. Identifiers: MedGen CN381524.

Allele frequency attached by ClinVar (database versions not stated): ExAC 0.00046; gnomAD 0.00056 and 0.00038; gnomAD exomes 0.00069 and 0.00043; ESP Exome Variant Server 0.00032; TOPMed 0.00071.
gnomAD v4.1: 1,085 of 1,614,066 alleles (0.067%); highest among the groups gnomAD compares: Non-Finnish European, 0.085%; 2 homozygotes.

Submissions (6):

Blueprint Genetics
Classification: Likely benign. Last evaluated: 2024-09-23. Review status: criteria provided, single submitter. Criteria: ACMG Guidelines, 2015. Collection method: clinical testing. Allele origin: germline.

CeGaT Center for Human Genetics Tuebingen
Classification: Likely benign. Last evaluated: 2022-05-01. Review status: criteria provided, single submitter. Criteria: CeGaT Center For Human Genetics Tuebingen Variant Classification Criteria Version 2. Collection method: clinical testing. Allele origin: germline. Affected: yes. Observed: 1 variant allele.
Comment: ASXL3: BP4, BP7

Genome-Nilou Lab
Classification: Benign for Bainbridge-Ropers syndrome. Last evaluated: 2021-12-05. Review status: criteria provided, single submitter. Criteria: ACMG Guidelines, 2015. Collection method: clinical testing. Allele origin: germline. Affected: no.

GeneDx
Classification: Benign. Last evaluated: 2020-03-29. Review status: criteria provided, single submitter. Criteria: GeneDx Variant Classification Process June 2021. Collection method: clinical testing. Allele origin: germline. Affected: yes.

Genetic Services Laboratory, University of Chicago
Classification: Benign. Last evaluated: 2017-08-02. Review status: criteria provided, single submitter. Criteria: ACMG Guidelines, 2015. Collection method: clinical testing. Allele origin: germline. Affected: no.

PreventionGenetics, part of Exact Sciences
Classification: Likely benign for ASXL3-related condition. Last evaluated: 2019-07-29. Review status: no assertion criteria provided. Collection method: clinical testing. Allele origin: germline. Not counted in ClinVar's aggregate classification.
Comment: This variant is classified as likely benign based on ACMG/AMP sequence variant interpretation guidelines (Richards et al. 2015 PMID: 25741868, with internal and published modifications).